The following is an entry in ClinVar:

NM_001317778.2(SFTPC):c.482G>A (p.Arg161Gln)

Gene: SFTPC (surfactant protein C; plus strand). Cytogenetic location: 8p21.3.
Variant type: single nucleotide variant.
Coding change: c.482G>A on transcript NM_001317778.2 (MANE Select); coding-DNA position 482, G replaced by A.
Protein change: p.Arg161Gln; replaces arginine 161 with glutamine.
Molecular consequence: missense variant.
Genome position (GRCh38, 1-based): chr8:22,163,947, G>A. VCF-style: chr8-22163947-G-A. GRCh37 (hg19) VCF-style: chr8-22021460-G-A.
Other names: c.482G>A, p.Arg161Gln (NM_001172357.2, NM_001317780.2); c.500G>A, p.Arg167Gln (NM_001172410.2, NM_003018.4); c.341G>A, p.Arg114Gln (NM_001317779.2); short protein forms R167Q, R114Q, R161Q.
Identifiers: ClinVar variation 13209 (VCV000013209.36), dbSNP rs34957318, ClinGen allele CA210538.

ClinVar aggregate classification (germline): Conflicting classifications of pathogenicity. Review status: criteria provided, conflicting classifications (1 of 4 stars). 10 submissions from 9 submitters: Uncertain significance (1); Benign (2); Likely benign (5). 2 of the submissions do not count toward it. Last evaluated 2026-01-08.

Conditions:
SFTPC-related disorder. Also called: SFTPC-related condition.
Hereditary pulmonary alveolar proteinosis. Also called: Pulmonary surfactant metabolism dysfunction. Identifiers: Orphanet 264675, MedGen C3711368, MONDO:0012580.
Interstitial lung disease 2 (ILD2). Also called: FIBROCYSTIC PULMONARY DYSPLASIA; FIBROSING ALVEOLITIS, CRYPTOGENIC; Familial idiopathic pulmonary fibrosis. Identifiers: Orphanet 2032, Orphanet 79126, MedGen C5561926, MONDO:0800497, OMIM 178500, MONDO:0800029.
Surfactant metabolism dysfunction, pulmonary, 2 (SMDP2). Also called: INTERSTITIAL LUNG DISEASE DUE TO SURFACTANT PROTEIN C DEFICIENCY; PULMONARY ALVEOLAR PROTEINOSIS, CONGENITAL, 2; DESQUAMATIVE INTERSTITIAL PNEUMONITIS DUE TO SURFACTANT PROTEIN C DEFICIENCY. Identifiers: Orphanet 440392, MedGen C1970470, MONDO:0024465, OMIM 610913.

Allele frequency attached by ClinVar (database versions not stated): gnomAD 0.00417 and 0.00444; TOPMed 0.00475; gnomAD exomes 0.00110; 1000 Genomes Project 30x 0.00500; ExAC 0.00139; 1000 Genomes Project 0.00459.
gnomAD v4.1: 1,260 of 1,613,684 alleles (0.078%); highest among the groups gnomAD compares: African/African-American, 1.5%; 14 homozygotes.

Submissions (10):

Labcorp Genetics (formerly Invitae), Labcorp
Classification: Benign. Last evaluated: 2026-01-08. Review status: criteria provided, single submitter. Criteria: Invitae Variant Classification Sherloc (09022015). Collection method: clinical testing. Allele origin: germline.

CeGaT Center for Human Genetics Tuebingen
Classification: Likely benign. Last evaluated: 2024-07-01. Review status: criteria provided, single submitter. Criteria: CeGaT Center For Human Genetics Tuebingen Variant Classification Criteria Version 2. Collection method: clinical testing. Allele origin: germline. Affected: yes. Observed: 1 variant allele.
Comment: SFTPC: BP4, BS1

Women's Health and Genetics/Laboratory Corporation of America, LabCorp
Classification: Likely benign. Last evaluated: 2024-06-26. Review status: criteria provided, single submitter. Criteria: LabCorp Variant Classification Summary - May 2015. Collection method: clinical testing. Allele origin: germline.

Johns Hopkins Genomics, Johns Hopkins University
Classification: Likely benign for Surfactant metabolism dysfunction, pulmonary, 2. Last evaluated: 2019-08-01. Review status: criteria provided, single submitter. Criteria: ACMG Guidelines, 2015. Collection method: clinical testing. Allele origin: germline.

Mendelics
Classification: Uncertain significance for Interstitial lung disease 2. Last evaluated: 2019-05-28. Review status: criteria provided, single submitter. Criteria: Mendelics Assertion Criteria 2017. Collection method: clinical testing. Allele origin: unknown.

Illumina Laboratory Services, Illumina
Classification: Likely benign for Surfactant metabolism dysfunction, pulmonary, 2. Last evaluated: 2017-04-27. Review status: criteria provided, single submitter. Criteria: ICSL Variant Classification Criteria 13 December 2019. Collection method: clinical testing. Allele origin: germline.
Comment: This variant was observed as part of a predisposition screen in an ostensibly healthy population. A literature search was performed for the gene, cDNA change, and amino acid change (where applicable). Publications were found based on this search. The evidence from the literature, in combination with allele frequency data from public databases where available, was sufficient to determine this variant is unlikely to cause disease. Therefore, this variant is classified as likely benign.

Illumina Laboratory Services, Illumina
Classification: Likely benign for Idiopathic fibrosing alveolitis, chronic form. Last evaluated: 2017-04-27. Review status: criteria provided, single submitter. Criteria: ICSL Variant Classification Criteria 13 December 2019. Collection method: clinical testing. Allele origin: germline.
Comment: the same text as in the submission from Illumina Laboratory Services, Illumina above.

Ambry Genetics
Classification: Benign for Hereditary pulmonary alveolar proteinosis. Last evaluated: 2014-09-22. Review status: criteria provided, single submitter. Criteria: Ambry Variant Classification Scheme 2023. Collection method: clinical testing. Allele origin: germline.

PreventionGenetics, part of Exact Sciences
Classification: Likely benign for SFTPC-related condition. Last evaluated: 2019-09-20. Review status: no assertion criteria provided. Collection method: clinical testing. Allele origin: germline. Not counted in ClinVar's aggregate classification.
Comment: This variant is classified as likely benign based on ACMG/AMP sequence variant interpretation guidelines (Richards et al. 2015 PMID: 25741868, with internal and published modifications).

OMIM
Classification: Pathogenic for SURFACTANT METABOLISM DYSFUNCTION, PULMONARY, 2. Last evaluated: 2004-04-01. Review status: no assertion criteria provided. Collection method: literature only. Allele origin: germline. Not counted in ClinVar's aggregate classification.

Literature cited by the submitters: PubMed 23775869 (cited by Illumina Laboratory Services, Illumina); PubMed 15039969 (cited by Illumina Laboratory Services, Illumina and OMIM).